The following is an entry in ClinVar:

ClinVar aggregate classification (germline): Uncertain significance. Review status: criteria provided, single submitter (1 of 4 stars). 2 submissions from 2 submitters: Uncertain significance (1). 1 of the submissions does not count toward it. Last evaluated 2021-08-31.

Conditions:
Propionic acidemia (PROP). Also called: GLYCINEMIA, KETOTIC; HYPERGLYCINEMIA WITH KETOACIDOSIS AND LEUKOPENIA; KETOTIC HYPERGLYCINEMIA. Identifiers: Orphanet 35, MedGen C0268579, MONDO:0011628, OMIM 606054, HP:0003571.

Allele frequency attached by ClinVar (database versions not stated): gnomAD exomes below 0.00001.
gnomAD v4.1: 4 of 1,609,768 alleles (0.00025%); highest among the groups gnomAD compares: Non-Finnish European, 0.00034%; no homozygotes.

Submissions (2):

Labcorp Genetics (formerly Invitae), Labcorp
Classification: Uncertain significance for Propionic acidemia. Last evaluated: 2021-08-31. Review status: criteria provided, single submitter. Criteria: Invitae Variant Classification Sherloc (09022015). Collection method: clinical testing. Allele origin: germline.
Comment: This sequence change replaces valine with alanine at codon 96 of the PCCA protein (p.Val96Ala). The valine residue is moderately conserved and there is a small physicochemical difference between valine and alanine. This variant is not present in population databases (ExAC no frequency). This variant has not been reported in the literature in individuals affected with PCCA-related conditions. Advanced modeling of protein sequence and biophysical properties (such as structural, functional, and spatial information, amino acid conservation, physicochemical variation, residue mobility, and thermodynamic stability) performed at Invitae indicates that this missense variant is not expected to disrupt PCCA protein function. In summary, the available evidence is currently insufficient to determine the role of this variant in disease. Therefore, it has been classified as a Variant of Uncertain Significance.

Natera, Inc.
Classification: Uncertain significance for Propionic acidemia. Last evaluated: 2020-07-16. Review status: no assertion criteria provided. Collection method: clinical testing. Allele origin: germline. Not counted in ClinVar's aggregate classification.

NM_000282.4(PCCA):c.287T>C (p.Val96Ala)

Gene: PCCA (propionyl-CoA carboxylase subunit alpha; plus strand). Cytogenetic location: 13q32.3.
Variant type: single nucleotide variant.
Coding change: c.287T>C on transcript NM_000282.4 (MANE Select); coding-DNA position 287, T replaced by C.
Protein change: p.Val96Ala; replaces valine 96 with alanine.
Molecular consequence: missense variant. On other transcripts: 5 prime UTR variant (3), non-coding transcript variant (5).
Genome position (GRCh38, 1-based): chr13:100,112,048, T>C. VCF-style: chr13-100112048-T-C. GRCh37 (hg19) VCF-style: chr13-100764302-T-C.
Other names: c.209T>C, p.Val70Ala (NM_001127692.3, NM_001352607.2, NM_001352608.2); c.287T>C, p.Val96Ala (NM_001178004.2, NM_001352605.2, NM_001352606.2 and 1 more transcripts); c.-580T>C (NM_001352610.2, NM_001352611.2, NM_001352612.2); short protein forms V70A, V96A.
Identifiers: ClinVar variation 1004771 (VCV001004771.6), dbSNP rs2048368792, ClinGen allele CA388693208.
Genomic context (GRCh38, chr13:100,112,048, plus strand): 5'-AATAGGTTATTAGAACTTGCAAGAAGATGGGCATTAAGACAGTTGCCATCCACAGTGATG[T>C]TGATGCTAGTTCTGTAAGTATATTTTTGCTTTGTTTAAATCAGGACTTAATTTTGGGTCA-3'
Protein context (NP_000273.2, residues 86-106): GIKTVAIHSD[Val96Ala]DASSVHVKMA